The following is an entry in ClinVar:

ClinVar aggregate classification (germline): Pathogenic. Review status: reviewed by expert panel (3 of 4 stars). 2 submissions from 2 submitters: Pathogenic (1). 1 of the submissions does not count toward it. Last evaluated 2016-10-18.

Conditions:
Breast-ovarian cancer, familial, susceptibility to, 1 (BROVCA1). Also called: BRCA1 Hereditary Breast and Ovarian Cancer; OVARIAN CANCER, SUSCEPTIBILITY TO. Identifiers: Orphanet 145, MedGen C2676676, MONDO:0011450, OMIM 604370. Disease mechanism: loss of function.

Submissions (2):

Evidence-based Network for the Interpretation of Germline Mutant Alleles (ENIGMA)
Classification: Pathogenic for Breast-ovarian cancer, familial, susceptibility to, 1. Last evaluated: 2016-10-18. Review status: reviewed by expert panel. Criteria: ENIGMA BRCA1/2 Classification Criteria (2015). Collection method: curation. Allele origin: germline.
Comment: Variant allele predicted to encode a truncated non-functional protein.

Consortium of Investigators of Modifiers of BRCA1/2 (CIMBA), c/o University of Cambridge
Classification: Pathogenic for Breast-ovarian cancer, familial, susceptibility to, 1. Last evaluated: 2015-10-02. Review status: criteria provided, single submitter. Criteria: CIMBA Mutation Classification guidelines May 2016. Collection method: clinical testing. Allele origin: germline. Not counted in ClinVar's aggregate classification.

NM_007294.4(BRCA1):c.5027del (p.Thr1675_Leu1676insTer)

Gene: BRCA1 (BRCA1 DNA repair associated; minus strand). Cytogenetic location: 17q21.31.
Variant type: Deletion.
Coding change: c.5027del on transcript NM_007294.4 (MANE Select); coding-DNA position 5027, one base deleted (T; older notation c.5027delT).
Protein change: p.Thr1675_Leu1676insTer.
Molecular consequence: nonsense. On other transcripts: frameshift variant (365), non-coding transcript variant (1).
Genome position (GRCh38, 1-based): chr17:43,067,655, A deleted on the plus strand (T on the coding strand, the reverse complement: BRCA1 is on the minus strand); the first of 3 consecutive A bases (chr17:43,067,655-43,067,657); deleting any one gives the same sequence. VCF-style (leftmost placement, unchanged base first): chr17-43067654-TA-T. GRCh37 (hg19) VCF-style: chr17-41219671-TA-T.
Other names: 5146delT (L1676X); c.5019delT, p.Leu1674Terfs (NM_001407640.1, NM_001407641.1, NM_001407642.1 and 14 more transcripts); c.5016delT, p.Leu1673Terfs (NM_001407644.1, NM_001407645.1); c.5013delT, p.Leu1672Terfs (NM_001407646.1); c.5010delT, p.Leu1671Terfs (NM_001407647.1); c.4968delT, p.Leu1657Terfs (NM_001407648.1); c.4965delT, p.Leu1656Terfs (NM_001407649.1); c.5025delT, p.Leu1676Terfs (NM_001407652.1, NM_001407684.1, NM_001407854.1 and 9 more transcripts); and 74 more.
Identifiers: ClinVar variation 266512 (VCV000266512.6), dbSNP rs397509217, ClinGen allele CA10589631.